The following is an entry in ClinVar:

NM_000163.5(GHR):c.1070C>G (p.Thr357Ser)

Gene: GHR (growth hormone receptor; plus strand). Cytogenetic location: 5p12.
Variant type: single nucleotide variant.
Coding change: c.1070C>G on transcript NM_000163.5 (MANE Select); coding-DNA position 1070, C replaced by G.
Protein change: p.Thr357Ser; replaces threonine 357 with serine.
Molecular consequence: missense variant. On other transcripts: 3 prime UTR variant (1).
Genome position (GRCh38, 1-based): chr5:42,718,577, C>G. VCF-style: chr5-42718577-C-G. GRCh37 (hg19) VCF-style: chr5-42718679-C-G.
Other names: c.1070C>G, p.Thr357Ser (NM_001242403.3, NM_001242404.2, NM_001242405.2 and 4 more transcripts); c.1004C>G, p.Thr335Ser (NM_001242460.2); c.*112C>G (NM_001242462.1); c.1091C>G, p.Thr364Ser (NM_001242399.2); short protein forms T364S, T357S, T335S.
Identifiers: ClinVar variation 2077105 (VCV002077105.4), dbSNP rs1758843021, ClinGen allele CA359628948.

ClinVar aggregate classification (germline): Uncertain significance (1 of 4 stars; one submission).

Allele frequency attached by ClinVar (database versions not stated): gnomAD exomes below 0.00001; TOPMed below 0.00001; gnomAD 0.00001.
gnomAD v4.1: 2 of 1,613,966 alleles (0.00012%); highest among the groups gnomAD compares: Non-Finnish European, 0.00017%; no homozygotes.

Submission:

Labcorp Genetics (formerly Invitae), Labcorp
Classification: Uncertain significance. Last evaluated: 2022-01-13. Review status: criteria provided, single submitter. Criteria: Invitae Variant Classification Sherloc (09022015). Collection method: clinical testing. Allele origin: germline.
Comment: Algorithms developed to predict the effect of sequence changes on RNA splicing suggest that this variant may create or strengthen a splice site. Algorithms developed to predict the effect of missense changes on protein structure and function (SIFT, PolyPhen-2, Align-GVGD) all suggest that this variant is likely to be tolerated. This variant has not been reported in the literature in individuals affected with GHR-related conditions. This variant is not present in population databases (gnomAD no frequency). This sequence change replaces threonine, which is neutral and polar, with serine, which is neutral and polar, at codon 357 of the GHR protein (p.Thr357Ser). In summary, the available evidence is currently insufficient to determine the role of this variant in disease. Therefore, it has been classified as a Variant of Uncertain Significance.